The following is an entry in ClinVar:

NM_144573.4(NEXN):c.579A>G (p.Glu193=)

Gene: NEXN (nexilin F-actin binding protein; plus strand). Cytogenetic location: 1p31.1.
Variant type: single nucleotide variant.
Coding change: c.579A>G on transcript NM_144573.4 (MANE Select); coding-DNA position 579, A replaced by G.
Protein change: p.Glu193=; no amino-acid change (glutamic acid 193 retained).
Molecular consequence: synonymous variant.
Genome position (GRCh38, 1-based): chr1:77,926,503, A>G. VCF-style: chr1-77926503-A-G. GRCh37 (hg19) VCF-style: chr1-78392188-A-G.
Other names: c.387A>G, p.Glu129= (NM_001172309.2).
Identifiers: ClinVar variation 718711 (VCV000718711.12), dbSNP rs1476054611, ClinGen allele CA418709146.

ClinVar aggregate classification (germline): Likely benign. Review status: criteria provided, multiple submitters, no conflicts (2 of 4 stars). 3 submissions from 3 submitters: Likely benign (3). Last evaluated 2026-03-27.

Conditions:
Cardiovascular phenotype. Identifiers: MedGen CN230736.
Dilated cardiomyopathy 1CC (CMD1CC). Identifiers: Orphanet 154, MedGen C2751084, MONDO:0013147, OMIM 613122.
Hypertrophic cardiomyopathy 20. Identifiers: MedGen C3151267, MONDO:0013477, OMIM 613876.

Allele frequency attached by ClinVar (database versions not stated): gnomAD exomes below 0.00001; gnomAD 0.00001; TOPMed 0.00001.
gnomAD v4.1: 6 of 1,612,172 alleles (0.00037%); highest among the groups gnomAD compares: East Asian, 0.0022%; no homozygotes.

Submissions (3):

Molecular Diagnostic Laboratory for Inherited Cardiovascular Disease, Montreal Heart Institute
Classification: Likely benign. Last evaluated: 2026-03-27. Review status: criteria provided, single submitter. Criteria: ACMG Guidelines, 2015. Collection method: clinical testing. Allele origin: germline. Affected: no.
Comment: BP7

Ambry Genetics
Classification: Likely benign for Cardiovascular phenotype. Last evaluated: 2022-02-08. Review status: criteria provided, single submitter. Criteria: Ambry Variant Classification Scheme 2023. Collection method: clinical testing. Allele origin: germline.

Labcorp Genetics (formerly Invitae), Labcorp
Classification: Likely benign for Dilated cardiomyopathy 1CC; Hypertrophic cardiomyopathy 20. Last evaluated: 2018-04-17. Review status: criteria provided, single submitter. Criteria: Invitae Variant Classification Sherloc (09022015). Collection method: clinical testing. Allele origin: germline.